The following is an entry in ClinVar:

NM_003597.5(KLF11):c.60A>G (p.Ile20Met)

Gene: KLF11 (KLF transcription factor 11; plus strand). Cytogenetic location: 2p25.1.
Variant type: single nucleotide variant.
Coding change: c.60A>G on transcript NM_003597.5 (MANE Select); coding-DNA position 60, A replaced by G.
Protein change: p.Ile20Met; replaces isoleucine 20 with methionine.
Molecular consequence: missense variant.
Genome position (GRCh38, 1-based): chr2:10,046,167, A>G. VCF-style: chr2-10046167-A-G. GRCh37 (hg19) VCF-style: chr2-10186294-A-G.
Other names: c.9A>G, p.Ile3Met (NM_001177716.2, NM_001177718.2); short protein forms I20M, I3M.
Identifiers: ClinVar variation 4693508 (VCV004693508.1).

ClinVar aggregate classification (germline): Uncertain significance (1 of 4 stars; one submission).

Submission:

Labcorp Genetics (formerly Invitae), Labcorp
Classification: Uncertain significance. Last evaluated: 2025-06-03. Review status: criteria provided, single submitter. Criteria: Invitae Variant Classification Sherloc (09022015). Collection method: clinical testing. Allele origin: germline.
Comment: This sequence change replaces isoleucine, which is neutral and non-polar, with methionine, which is neutral and non-polar, at codon 20 of the KLF11 protein (p.Ile20Met). This variant is not present in population databases (gnomAD no frequency). This variant has not been reported in the literature in individuals affected with KLF11-related conditions. An algorithm developed to predict the effect of missense changes on protein structure and function outputs the following: PolyPhen-2: "Benign". The methionine amino acid residue is found in multiple mammalian species, which suggests that this missense change does not adversely affect protein function. In summary, the available evidence is currently insufficient to determine the role of this variant in disease. Therefore, it has been classified as a Variant of Uncertain Significance.